The following is an entry in ClinVar:

NM_001165963.4(SCN1A):c.2440G>T (p.Glu814Ter)

Gene: SCN1A (sodium voltage-gated channel alpha subunit 1; minus strand). Cytogenetic location: 2q24.3.
Variant type: single nucleotide variant.
Coding change: c.2440G>T on transcript NM_001165963.4 (MANE Select); coding-DNA position 2440, G replaced by T.
Protein change: p.Glu814Ter; replaces glutamic acid 814 with a stop codon.
Molecular consequence: nonsense. On other transcripts: 5 prime UTR variant (1), non-coding transcript variant (1).
Genome position (GRCh38, 1-based): chr2:166,039,572, C>A on the plus strand (G>T on the coding strand, the complement: SCN1A is on the minus strand). VCF-style: chr2-166039572-C-A. GRCh37 (hg19) VCF-style: chr2-166896082-C-A.
Other names: c.2356G>T, p.Glu786Ter (NM_001165964.3, NM_001353957.2, NM_001353958.2); c.2440G>T, p.Glu814Ter (NM_001202435.3, NM_001353948.2); c.2407G>T, p.Glu803Ter (NM_001353949.2, NM_001353950.2, NM_001353951.2 and 2 more transcripts); c.2404G>T, p.Glu802Ter (NM_001353954.2, NM_001353955.2); c.2353G>T, p.Glu785Ter (NM_001353960.2); c.-3G>T (NM_001353961.2); short protein forms E786*, E802*, E803*, E785*, E814*.
Identifiers: ClinVar variation 1394810 (VCV001394810.7), dbSNP rs1553542378, ClinGen allele CA349062744.

ClinVar aggregate classification (germline): Pathogenic (1 of 4 stars; one submission).

Conditions:
Early-infantile DEE. Also called: Early infantile epileptic encephalopathy with suppression bursts; Early infantile epileptic encephalopathy; Ohtahara syndrome. Identifiers: Orphanet 1934, MedGen C0393706, MONDO:0800491.

Submission:

Labcorp Genetics (formerly Invitae), Labcorp
Classification: Pathogenic for Early-infantile DEE. Last evaluated: 2024-04-08. Review status: criteria provided, single submitter. Criteria: Invitae Variant Classification Sherloc (09022015). Collection method: clinical testing. Allele origin: germline.
Comment: This sequence change creates a premature translational stop signal (p.Glu814*) in the SCN1A gene. It is expected to result in an absent or disrupted protein product. Loss-of-function variants in SCN1A are known to be pathogenic (PMID: 17347258, 18930999). This variant is not present in population databases (gnomAD no frequency). This variant has not been reported in the literature in individuals affected with SCN1A-related conditions. ClinVar contains an entry for this variant (Variation ID: 1394810). For these reasons, this variant has been classified as Pathogenic.

Literature cited by the submitters: PubMed 17347258; PubMed 18930999.